The following is an entry in ClinVar:

ClinVar aggregate classification (germline): Uncertain significance (1 of 4 stars; one submission).

Submission:

GeneDx
Classification: Uncertain significance. Last evaluated: 2014-05-16. Review status: criteria provided, single submitter. Criteria: GeneDx Variant Classification (06012015). Collection method: clinical testing. Allele origin: germline. Affected: yes.
Comment: p.Ser43Arg (AGC>AGG): c.129 C>G in exon 2 of the SLC2A10 gene (NM_030777.3). A variant of unknown significance has been identified in the SLC2A10 gene. The S43R variant has not been published as a mutation nor as a benign polymorphism to our knowledge. The S43R variant was not observed in approximately 6,500 individuals of European and African American ancestry in the NHLBI Exome Sequencing Project, indicating it is not a common benign variant in these populations. The S43R variant is a semi-conservative amino acid substitution, which may impact secondary protein structure as these residues differ in some properties. This substitution occurs at a position that is conserved among mammals. Moreover, in silico analysis is inconsistent in its predictions as to whether or not the variant is damaging to the protein structure/function, however at least two models predict this variant is damaging. Nevertheless, no missense mutations in nearby residues have been reported in association with arterial tortuosity syndrome, suggesting this region of the protein may be tolerant of change. Therefore, based on the currently available information, it is unclear whether this variant is a pathogenic mutation or a rare benign variant. This variant was found in TAAD,SLC2A10

NM_030777.4(SLC2A10):c.129C>G (p.Ser43Arg)

Gene: SLC2A10 (solute carrier family 2 member 10; plus strand). Cytogenetic location: 20q13.12.
Variant type: single nucleotide variant.
Coding change: c.129C>G on transcript NM_030777.4 (MANE Select); coding-DNA position 129, C replaced by G.
Protein change: p.Ser43Arg; replaces serine 43 with arginine.
Molecular consequence: missense variant.
Genome position (GRCh38, 1-based): chr20:46,725,165, C>G. VCF-style: chr20-46725165-C-G. GRCh37 (hg19) VCF-style: chr20-45353804-C-G.
Other names: p.S43R:AGC>AGG; short protein forms S43R.
Identifiers: ClinVar variation 213744 (VCV000213744.2), dbSNP rs863223734, ClinGen allele CA323447.